The following is an entry in ClinVar:

ClinVar aggregate classification (germline): Benign (1 of 4 stars; one submission).

Submission:

CeGaT Center for Human Genetics Tuebingen
Classification: Benign. Last evaluated: 2022-07-01. Review status: criteria provided, single submitter. Criteria: CeGaT Center For Human Genetics Tuebingen Variant Classification Criteria Version 2. Collection method: clinical testing. Allele origin: germline. Affected: yes. Observed: 1 variant allele.
Comment: AMIGO3: BS1, BS2

NM_198722.3(AMIGO3):c.1248_1256dup (p.Arg418_Trp419insCysArgArg)

Genes: AMIGO3 (adhesion molecule with Ig like domain 3; minus strand), RNF123 (ring finger protein 123; plus strand). Cytogenetic location: 3p21.31.
Variant type: Duplication.
Coding change: c.1248_1256dup on transcript NM_198722.3 (MANE Select); coding-DNA positions 1248 to 1256, 9 bases duplicated (CCGCCGCTG; older notation c.1248_1256dupCCGCCGCTG).
Protein change: p.Arg418_Trp419insCysArgArg.
Molecular consequence: inframe insertion. On other transcripts: intron variant (1).
Genome position (GRCh38, 1-based): chr3:49,718,210-49,718,218, CAGCGGCGG duplicated on the plus strand (CCGCCGCTG on the coding strand, the reverse complement: AMIGO3 is on the minus strand); duplicating any 9 consecutive bases within chr3:49,718,210-49,718,225 gives the same sequence; the c. name uses the placement nearest the transcript's 3' end. VCF-style (leftmost placement, unchanged base first): chr3-49718209-C-CCAGCGGCGG. GRCh37 (hg19) VCF-style: chr3-49755642-C-CCAGCGGCGG.
Other names: c.3500+1740_3500+1748dup (NM_022064.5).
Identifiers: ClinVar variation 2653845 (VCV002653845.23), dbSNP rs543098573, ClinGen allele CA2404808.